The following is an entry in ClinVar:

NM_001131016.2(CIZ1):c.1533C>T (p.Thr511=)

Gene: CIZ1 (CDKN1A interacting zinc finger protein 1; minus strand). Cytogenetic location: 9q34.11.
Variant type: single nucleotide variant.
Coding change: c.1533C>T on transcript NM_001131016.2 (MANE Select); coding-DNA position 1533, C replaced by T.
Protein change: p.Thr511=; no amino-acid change (threonine 511 retained).
Molecular consequence: synonymous variant.
Genome position (GRCh38, 1-based): chr9:128,178,456, G>A on the plus strand (C>T on the coding strand, the complement: CIZ1 is on the minus strand). VCF-style: chr9-128178456-G-A. GRCh37 (hg19) VCF-style: chr9-130940735-G-A.
Other names: c.1365C>T, p.Thr455= (NM_001131015.2); c.1350C>T, p.Thr450= (NM_001131017.2); c.1293C>T, p.Thr431= (NM_001131018.2); c.1623C>T, p.Thr541= (NM_001257975.2); c.1230C>T, p.Thr410= (NM_001257976.2); c.1533C>T, p.Thr511= (NM_012127.3).
Identifiers: ClinVar variation 697461 (VCV000697461.10), dbSNP rs1407130246, ClinGen allele CA467286012.

ClinVar aggregate classification (germline): Likely benign. Review status: criteria provided, single submitter (1 of 4 stars). 2 submissions from 2 submitters: Likely benign (1). 1 of the submissions does not count toward it. Last evaluated 2022-06-29.

Conditions:
CIZ1-related disorder. Also called: CIZ1-related condition.
Dystonic disorder. Also called: Dystonia. Identifiers: MedGen C0013421, MONDO:0003441, HP:0001332.

Allele frequency attached by ClinVar (database versions not stated): gnomAD exomes 0.00001 and 0.00002; gnomAD 0.00004; TOPMed 0.00003.
gnomAD v4.1: 33 of 1,613,990 alleles (0.002%); highest among the groups gnomAD compares: African/African-American, 0.0027%; no homozygotes.

Submissions (2):

Labcorp Genetics (formerly Invitae), Labcorp
Classification: Likely benign for Dystonic disorder. Last evaluated: 2022-06-29. Review status: criteria provided, single submitter. Criteria: Invitae Variant Classification Sherloc (09022015). Collection method: clinical testing. Allele origin: germline.

PreventionGenetics, part of Exact Sciences
Classification: Likely benign for CIZ1-related condition. Last evaluated: 2019-03-11. Review status: no assertion criteria provided. Collection method: clinical testing. Allele origin: germline. Not counted in ClinVar's aggregate classification.
Comment: This variant is classified as likely benign based on ACMG/AMP sequence variant interpretation guidelines (Richards et al. 2015 PMID: 25741868, with internal and published modifications).